The following is an entry in ClinVar:

NM_004958.4(MTOR):c.5198C>G (p.Ala1733Gly)

Gene: MTOR (mechanistic target of rapamycin kinase; minus strand). Cytogenetic location: 1p36.22.
Variant type: single nucleotide variant.
Coding change: c.5198C>G on transcript NM_004958.4 (MANE Select); coding-DNA position 5198, C replaced by G.
Protein change: p.Ala1733Gly; replaces alanine 1733 with glycine.
Molecular consequence: missense variant.
Genome position (GRCh38, 1-based): chr1:11,134,399, G>C on the plus strand (C>G on the coding strand, the complement: MTOR is on the minus strand). VCF-style: chr1-11134399-G-C. GRCh37 (hg19) VCF-style: chr1-11194456-G-C.
Other names: c.5198C>G, p.Ala1733Gly (NM_001386500.1); c.3950C>G, p.Ala1317Gly (NM_001386501.1); short protein forms A1317G, A1733G.
Identifiers: ClinVar variation 1718318 (VCV001718318.5), dbSNP rs2522381779, ClinGen allele CA338400823.

ClinVar aggregate classification (germline): Uncertain significance (1 of 4 stars; one submission).

Allele frequency attached by ClinVar (database versions not stated): gnomAD exomes below 0.00001.
gnomAD v4.1: 3 of 1,614,232 alleles (0.00019%); highest among the groups gnomAD compares: Non-Finnish European, 0.00025%; no homozygotes.

Submission:

Labcorp Genetics (formerly Invitae), Labcorp
Classification: Uncertain significance. Last evaluated: 2022-08-30. Review status: criteria provided, single submitter. Criteria: Invitae Variant Classification Sherloc (09022015). Collection method: clinical testing. Allele origin: germline.
Comment: In summary, the available evidence is currently insufficient to determine the role of this variant in disease. Therefore, it has been classified as a Variant of Uncertain Significance. This sequence change replaces alanine, which is neutral and non-polar, with glycine, which is neutral and non-polar, at codon 1733 of the MTOR protein (p.Ala1733Gly). This variant is not present in population databases (gnomAD no frequency). This variant has not been reported in the literature in individuals affected with MTOR-related conditions. Advanced modeling of protein sequence and biophysical properties (such as structural, functional, and spatial information, amino acid conservation, physicochemical variation, residue mobility, and thermodynamic stability) performed at Invitae indicates that this missense variant is not expected to disrupt MTOR protein function.